The following is an entry in ClinVar:

NM_004655.4(AXIN2):c.1200+10C>A

Gene: AXIN2 (axin 2; minus strand). Cytogenetic location: 17q24.1.
Variant type: single nucleotide variant.
Coding change: c.1200+10C>A on transcript NM_004655.4 (MANE Select); 10 bases into the intron after coding-DNA position 1200, C replaced by A.
Molecular consequence: intron variant.
Genome position (GRCh38, 1-based): chr17:65,538,193, G>T on the plus strand (C>A on the coding strand, the complement: AXIN2 is on the minus strand). VCF-style: chr17-65538193-G-T. GRCh37 (hg19) VCF-style: chr17-63534311-G-T.
Other names: c.1200+10C>A (LRG_296t1, NM_001363813.1).
Identifiers: ClinVar variation 533271 (VCV000533271.9), dbSNP rs746967147, ClinGen allele CA658798958.

ClinVar aggregate classification (germline): Likely benign. Review status: criteria provided, multiple submitters, no conflicts (2 of 4 stars). 2 submissions from 2 submitters: Likely benign (2). Last evaluated 2025-07-17.

Conditions:
Oligodontia-cancer predisposition syndrome. Also called: TOOTH AGENESIS-COLORECTAL CANCER SYNDROME. Identifiers: Orphanet 300576, MedGen C1837750, MONDO:0012075, OMIM 608615. Disease mechanism: loss of function.

Submissions (2):

Labcorp Genetics (formerly Invitae), Labcorp
Classification: Likely benign for Oligodontia-cancer predisposition syndrome. Last evaluated: 2025-07-17. Review status: criteria provided, single submitter. Criteria: Invitae Variant Classification Sherloc (09022015). Collection method: clinical testing. Allele origin: germline.

Myriad Genetics, Inc.
Classification: Likely benign for Oligodontia-cancer predisposition syndrome. Last evaluated: 2024-07-01. Review status: criteria provided, single submitter. Criteria: Myriad Autosomal Dominant, Autosomal Recessive and X-Linked Classification Criteria (2023). Collection method: clinical testing. Allele origin: unknown.
Comment: This variant is considered likely benign. This variant is intronic and is not expected to impact mRNA splicing.